The following is an entry in ClinVar:

NM_001128228.3(TPRN):c.225_235del (p.Gly76fs)

Gene: TPRN (taperin; minus strand). Cytogenetic location: 9q34.3.
Variant type: Microsatellite.
Coding change: c.225_235del on transcript NM_001128228.3 (MANE Select); coding-DNA positions 225 to 235, 11 bases deleted (GGGGGCGCGGC).
Protein change: p.Gly76fs; shifts the reading frame from glycine 76.
Molecular consequence: frameshift variant.
Genome position (GRCh38, 1-based): chr9:137,200,477-137,200,487, GCCGCGCCCCC deleted on the plus strand (GGGGGCGCGGC on the coding strand, the reverse complement: TPRN is on the minus strand); deleting any 11 consecutive bases within chr9:137,200,477-137,200,506 gives the same sequence; the c. name uses the placement nearest the transcript's 3' end. VCF-style (leftmost placement, unchanged base first): chr9-137200476-AGCCGCGCCCCC-A. GRCh37 (hg19) VCF-style: chr9-140094928-AGCCGCGCCCCC-A.
Other names: p.(Gly76AlafsTer150); c.225_235delGGGGGCGCGGC (NM_001128228.2); c.225_235del11 (NM_001128228.2); short protein forms G76fs.
Identifiers: ClinVar variation 137 (VCV000000137.22), dbSNP rs387906221, ClinGen allele CA113910.
Genomic context (GRCh38, chr9:137,200,476, plus strand): 5'-ATGAGGACGCTGTCGGCGCGGAGGGCGCGCACGCCAGGCACGCGGCGGTACCGCTCCAGC[AGCCGCGCCCCC>A]GCCGCGCCCCCGCCGCGCCGCCGCTCGGCCTCCAGCAGCATGAACGGGTTCTCGCGCAGC-3'

ClinVar aggregate classification (germline): Pathogenic. Review status: criteria provided, multiple submitters, no conflicts (2 of 4 stars). 12 submissions from 12 submitters: Pathogenic (9). 3 of the submissions do not count toward it. Last evaluated 2025-10-26.

Conditions:
TPRN-related disorder. Also called: TPRN-related condition.
Rare genetic deafness. Identifiers: Orphanet 96210, MedGen C5680250.
Autosomal recessive nonsyndromic hearing loss 79. Identifiers: Orphanet 90636, MedGen C2750082, MONDO:0013215, OMIM 613307.

Submissions (12):

Labcorp Genetics (formerly Invitae), Labcorp
Classification: Pathogenic. Last evaluated: 2025-10-26. Review status: criteria provided, single submitter. Criteria: Invitae Variant Classification Sherloc (09022015). Collection method: clinical testing. Allele origin: germline.
Comment: This sequence change creates a premature translational stop signal (p.Gly76Alafs*150) in the TPRN gene. It is expected to result in an absent or disrupted protein product. Loss-of-function variants in TPRN are known to be pathogenic (PMID: 20170898, 20170899). The frequency data for this variant in the population databases is considered unreliable, as metrics indicate poor data quality at this position in the gnomAD database. This premature translational stop signal has been observed in individual(s) with autosomal recessive nonsyndromic deafness (PMID: 20170898, 20170899, 23340767). It has also been observed to segregate with disease in related individuals. This variant is also known as c.42_52del. ClinVar contains an entry for this variant (Variation ID: 137). For these reasons, this variant has been classified as Pathogenic.

Variantyx, Inc.
Classification: Pathogenic for Autosomal recessive nonsyndromic hearing loss 79. Last evaluated: 2025-09-04. Review status: criteria provided, single submitter. Criteria: Variantyx Assertion Criteria 2022. Collection method: clinical testing. Allele origin: germline. Inheritance: Autosomal recessive inheritance.
Comment: This is a frameshift variant in the TPRN gene (OMIM: 613354). Pathogenic variants in this gene have been associated with autosomal recessive deafness 79. This variant introduces a premature termination codon in exon 1 out of 4 and is expected to result in loss of function, which is a known disease mechanism for TPRN in this disorder (PMID: 20170898, 23340767) (PVS1). This variant has been identified in the homozygous state in at least 2 individuals reported in the published literature (PMID: 20170898, 23340767) (PM3) and has a 0.0820% maximum allele frequency in non-founder control populations (PM2). Based on the current evidence, this variant is classified as pathogenic for autosomal recessive deafness 79.

Blueprint Genetics
Classification: Pathogenic for TPRN-related disorders. Last evaluated: 2024-11-19. Review status: criteria provided, single submitter. Criteria: ACMG Guidelines, 2015. Collection method: clinical testing. Allele origin: germline. Affected: yes. Observed: 5 variant alleles.

Neuberg Centre For Genomic Medicine, NCGM
Classification: Pathogenic for Autosomal recessive nonsyndromic hearing loss 79. Last evaluated: 2023-03-01. Review status: criteria provided, single submitter. Criteria: ACMG Guidelines, 2015. Collection method: clinical testing. Allele origin: germline. Inheritance: Autosomal recessive inheritance. Affected: yes.
Comment: The frameshift c.225_235del(p.Gly76AlafsTer150) variant in TPRN gene has been observed in individual(s) with autosomal recessive nonsyndromic deafness (Bashir et. al., 2013; Rehman et. al., 2010). It has also been observed to segregate with disease in related individuals. This variant is also known as c.42_52del. The p.Gly76AlafsTer150 variant is novel (not in any individuals) in 1000 Genomes. The frequency data for this variant in the population databases is considered unreliable, as metrics indicate poor data quality at this position in the gnomAD database. This variant has been reported to the ClinVar database as Pathogenic by multiple submitters. This variant causes a frameshift starting with codon Glycine 76, changes this amino acid to Alanine residue, and creates a premature Stop codon at position 150 of the new reading frame, denoted p.Gly76AlafsTer150. It is expected to result in an absent or disrupted protein product. Loss-of-function variants in TPRN are known to be pathogenic (Rehman et. al., 2010). For these reasons, this variant has been classified as Pathogenic. In the absence of another reportable variant in TPRN gene, the molecular diagnosis is not confirmed.

Laboratory for Molecular Medicine, Mass General Brigham Personalized Medicine
Classification: Pathogenic for Rare genetic deafness. Last evaluated: 2022-08-26. Review status: criteria provided, single submitter. Criteria: ACMG Guidelines, 2015. Collection method: clinical testing. Allele origin: germline.
Comment: The p.Gly76AlafsX150 variant in TPRN has been reported in altogether at least 7 individuals from a large consanguineous family with hearing loss from Morocco as well as in 6 affected members of 2 consanguineous families from Pakistan (Bashir 2013 PMID: 23340767, Rehman 2010 PMID: 20170899, Li 2010 PMID: 20170898, Hou 2020 PMID: 31980526) and in ClinVar (Variation ID 137). It has been identified in several subpopulations in gnomAD, including South Asian and European (2/4766 and 17/65678 chromosomes, respectively). This variant is predicted to cause a frameshift, which alters the protein’s amino acid sequence beginning at position 76 and leads to a premature termination codon 150 amino acids downstream. This alteration is then predicted to lead to a truncated or absent protein. Loss of function of the TPRN gene is an established disease mechanism in autosomal recessive hearing loss. In summary, this variant meets criteria to be classified as pathogenic for autosomal recessive hearing loss. ACMG/AMP Criteria applied: PVS1, PM2_Supporting, PP1_Strong .

Revvity Omics, Revvity
Classification: Pathogenic for Autosomal recessive nonsyndromic hearing loss 79. Last evaluated: 2022-05-30. Review status: criteria provided, single submitter. Criteria: ACMG Guidelines, 2015. Collection method: clinical testing. Allele origin: germline.

Clinical Genetics Laboratory, Skane University Hospital Lund
Classification: Pathogenic. Last evaluated: 2022-05-27. Review status: criteria provided, single submitter. Criteria: ACMG Guidelines, 2015. Collection method: clinical testing. Allele origin: germline. Affected: yes.

Women's Health and Genetics/Laboratory Corporation of America, LabCorp
Classification: Pathogenic for Autosomal recessive nonsyndromic hearing loss 79. Last evaluated: 2022-04-29. Review status: criteria provided, single submitter. Criteria: LabCorp Variant Classification Summary - May 2015. Collection method: clinical testing. Allele origin: germline.
Comment: Variant summary: C9orf75 c.225_235del11 (p.Gly76AlafsX150) results in a premature termination codon, predicted to cause a truncation of the encoded protein or absence of the protein due to nonsense mediated decay, which are commonly known mechanisms for disease. The variant allele was found at a frequency of 0.00014 in 35206 control chromosomes (gnomAD). c.225_235del11 (also known as c.42_52del11) has been reported in the literature in multiple individuals affected with Autosomal Recessive Nonsyndromic Hearing Loss 79 (e.g. Rehman_2010, Li_2010, Bashir_2013). These data indicate that the variant is very likely to be associated with disease. Three ClinVar submitters (evaluation after 2014) cite the variant as pathogenic. Based on the evidence outlined above, the variant was classified as pathogenic.

GeneDx
Classification: Pathogenic. Last evaluated: 2022-01-31. Review status: criteria provided, single submitter. Criteria: GeneDx Variant Classification Process June 2021. Collection method: clinical testing. Allele origin: germline. Affected: yes.
Comment: Frameshift variant predicted to result in protein truncation or nonsense mediated decay in a gene for which loss-of-function is a known mechanism of disease; This variant is associated with the following publications: (PMID: 20170898, 31980526, 23340767, 20170899)

PreventionGenetics, part of Exact Sciences
Classification: Pathogenic for TPRN-related condition. Last evaluated: 2024-09-06. Review status: no assertion criteria provided. Collection method: clinical testing. Allele origin: germline. Not counted in ClinVar's aggregate classification.
Comment: The TPRN c.225_235del11 variant is predicted to result in a frameshift and premature protein termination (p.Gly76Alafs*150). This variant was reported in the homozygous state in multiple individuals with hearing loss from two unrelated families (described as c.42_52del11; Li et al. 2010. PubMed ID: 20170898; Bashir et al. 2013. PubMed ID: 23340767). This variant is reported in 0.085% of alleles in individuals of Ashkenazi Jewish descent in gnomAD. Frameshift variants in TPRN are expected to be pathogenic. This variant is interpreted as pathogenic.

OMIM
Classification: Pathogenic for DEAFNESS, AUTOSOMAL RECESSIVE 79. Last evaluated: 2010-03-12. Review status: no assertion criteria provided. Collection method: literature only. Allele origin: germline. Not counted in ClinVar's aggregate classification.

Comprehensive Medical Genetic Center, Shiraz University of Medical Sciences
Classification: Pathogenic for Autosomal recessive nonsyndromic hearing loss 79. Review status: no assertion criteria provided. Collection method: clinical testing. Allele origin: inherited. Affected: yes. Not counted in ClinVar's aggregate classification.

Literature cited by the submitters: PubMed 20170898 (cited by 4 submitters); PubMed 20170899 (cited by 3 submitters); PubMed 23340767 (cited by 3 submitters).